The following is an entry in ClinVar:

NM_004260.4(RECQL4):c.1578del (p.Thr527fs)

Gene: RECQL4 (RecQ like helicase 4; minus strand). Cytogenetic location: 8q24.3.
Variant type: Deletion.
Coding change: c.1578del on transcript NM_004260.4 (MANE Select); coding-DNA position 1578, one base deleted (C; older notation c.1578delC).
Protein change: p.Thr527fs; shifts the reading frame from threonine 527.
Molecular consequence: frameshift variant.
Genome position (GRCh38, 1-based): chr8:144,514,978, G deleted on the plus strand (C on the coding strand, the reverse complement: RECQL4 is on the minus strand). VCF-style (leftmost placement, unchanged base first): chr8-144514977-TG-T. GRCh37 (hg19) VCF-style: chr8-145740361-TG-T.
Other names: c.1482delC, p.Thr495Argfs (NM_001413017.1, NM_001413020.1); c.1578delC, p.Thr527Argfs (NM_001413018.1, NM_001413019.1, NM_001413033.1 and 1 more transcripts); c.507delC, p.Thr170Argfs (NM_001413021.1, NM_001413022.1, NM_001413023.1 and 7 more transcripts); c.1449delC, p.Thr484Argfs (NM_001413025.1); c.441delC, p.Thr148Argfs (NM_001413027.1, NM_001413030.1, NM_001413031.1 and 2 more transcripts); c.1227delC, p.Thr410Argfs (NM_001413029.1); c.1548delC, p.Thr517Argfs (NM_001413039.1); c.477delC, p.Thr160Argfs (NM_001413042.1); and 1 more; short protein forms T527fs.
Identifiers: ClinVar variation 1911791 (VCV001911791.5), dbSNP rs1827938831, ClinGen allele CA1120281118.
Genomic context (GRCh38, chr8:144,514,977, plus strand): 5'-CAGGGCCCTGTGTGCACACCTGGTCATCCATGAGTGACAGCAGGGGAGAGACGACCAACG[TG>T]AGGCAGGGGCTGCGCCGGCTGTAGAGCAGCGCTGGGAGCTGGTAGCACAGGGACTTGCCG-3'

ClinVar aggregate classification (germline): Pathogenic (1 of 4 stars; one submission).

Conditions:
Baller-Gerold syndrome (BGS). Also called: CRANIOSYNOSTOSIS WITH RADIAL DEFECTS. Identifiers: Orphanet 1225, MedGen C0265308, MONDO:0009039, OMIM 218600.

Allele frequency attached by ClinVar (database versions not stated): gnomAD 0.00001; TOPMed 0.00001.

Submission:

Labcorp Genetics (formerly Invitae), Labcorp
Classification: Pathogenic for Baller-Gerold syndrome. Last evaluated: 2025-03-12. Review status: criteria provided, single submitter. Criteria: Invitae Variant Classification Sherloc (09022015). Collection method: clinical testing. Allele origin: germline.
Comment: This sequence change creates a premature translational stop signal (p.Thr527Argfs*31) in the RECQL4 gene. It is expected to result in an absent or disrupted protein product. Loss-of-function variants in RECQL4 are known to be pathogenic (PMID: 12734318, 12952869). This variant is not present in population databases (gnomAD no frequency). This variant has not been reported in the literature in individuals affected with RECQL4-related conditions. ClinVar contains an entry for this variant (Variation ID: 1911791). For these reasons, this variant has been classified as Pathogenic.

Literature cited by the submitters: PubMed 12734318; PubMed 12952869.